The following is an entry in ClinVar:

ClinVar aggregate classification (germline): Uncertain significance (1 of 4 stars; one submission).

Conditions:
Hereditary hyperferritinemia with congenital cataracts. Also called: Hereditary hyperferritinemia cataract syndrome; Bonneau-Beaumont syndrome; HYPERFERRITINEMIA WITH OR WITHOUT CATARACT. Identifiers: Orphanet 163, MedGen C1833213, MONDO:0010952, OMIM 600886.
Neuroferritinopathy (NBIA3). Also called: NEURODEGENERATION WITH BRAIN IRON ACCUMULATION 3; BASAL GANGLIA DISEASE, ADULT-ONSET. Identifiers: Orphanet 157846, MedGen C1853578, MONDO:0011638, OMIM 606159.

Allele frequency attached by ClinVar (database versions not stated): gnomAD exomes below 0.00001.
gnomAD v4.1: 1 of 1,614,108 alleles (0.000062%); highest among the groups gnomAD compares: Non-Finnish European, 0.000085%; no homozygotes.

Submission:

Labcorp Genetics (formerly Invitae), Labcorp
Classification: Uncertain significance for Neuroferritinopathy; Hereditary hyperferritinemia with congenital cataracts. Last evaluated: 2024-05-24. Review status: criteria provided, single submitter. Criteria: Invitae Variant Classification Sherloc (09022015). Collection method: clinical testing. Allele origin: germline.
Comment: This sequence change replaces cysteine, which is neutral and slightly polar, with arginine, which is basic and polar, at codon 127 of the FTL protein (p.Cys127Arg). This variant is not present in population databases (gnomAD no frequency). This variant has not been reported in the literature in individuals affected with FTL-related conditions. ClinVar contains an entry for this variant (Variation ID: 1512412). An algorithm developed to predict the effect of missense changes on protein structure and function (PolyPhen-2) suggests that this variant is likely to be disruptive. In summary, the available evidence is currently insufficient to determine the role of this variant in disease. Therefore, it has been classified as a Variant of Uncertain Significance.

NM_000146.4(FTL):c.379T>C (p.Cys127Arg)

Gene: FTL (ferritin light chain; plus strand). Cytogenetic location: 19q13.33.
Variant type: single nucleotide variant.
Coding change: c.379T>C on transcript NM_000146.4 (MANE Select); coding-DNA position 379, T replaced by C.
Protein change: p.Cys127Arg; replaces cysteine 127 with arginine.
Molecular consequence: missense variant.
Genome position (GRCh38, 1-based): chr19:48,966,586, T>C. VCF-style: chr19-48966586-T-C. GRCh37 (hg19) VCF-style: chr19-49469843-T-C.
Other names: short protein forms C127R.
Identifiers: ClinVar variation 1512412 (VCV001512412.8), dbSNP rs2122435637, ClinGen allele CA406757104.